The following is an entry in ClinVar:

ClinVar aggregate classification (germline): Uncertain significance (1 of 4 stars; one submission).

Conditions:
PKHD1-related disorder. Also called: PKHD1-related condition.

gnomAD v4.1: 2 of 1,587,916 alleles (0.00013%); highest among the groups gnomAD compares: Non-Finnish European, 0.00017%; no homozygotes.

Submission:

PreventionGenetics, part of Exact Sciences
Classification: Uncertain significance for PKHD1-related condition. Last evaluated: 2025-12-22. Review status: criteria provided, single submitter. Criteria: ACMG Guidelines, 2015. Collection method: clinical testing. Allele origin: germline.
Comment: The PKHD1 c.53-3C>T variant is predicted to interfere with splicing. To our knowledge, this variant has not been reported in the literature or in a large population database (gnomAD), indicating this variant is rare. This variant is predicted to alter splicing based on available splicing prediction programs (SpliceAI, Jaganathan et al. 2019. PubMed ID: 30661751). However, the use of computer prediction programs is not equivalent to functional evidence. At this time, the clinical significance of this variant is uncertain due to the absence of conclusive functional and genetic evidence.

NM_138694.4(PKHD1):c.53-3C>T

Gene: PKHD1 (PKHD1 ciliary IPT domain containing fibrocystin/polyductin; minus strand). Cytogenetic location: 6p12.2.
Variant type: single nucleotide variant.
Coding change: c.53-3C>T on transcript NM_138694.4 (MANE Select); 3 bases into the intron before coding-DNA position 53, C replaced by T.
Molecular consequence: intron variant.
Genome position (GRCh38, 1-based): chr6:52,083,258, G>A on the plus strand (C>T on the coding strand, the complement: PKHD1 is on the minus strand). VCF-style: chr6-52083258-G-A. GRCh37 (hg19) VCF-style: chr6-51948056-G-A.
Other names: c.53-3C>T (NM_170724.3).
Identifiers: ClinVar variation 4991678 (VCV004991678.1).
Genomic context (GRCh38, chr6:52,083,258, plus strand): 5'-CACGTTCCCCCTGCAAGGCTACCTTCTTCAGGTTCAATATGTAAACTCAGGTGACGTACT[G>A]TAAGTAAGTGAAAAAAAACATTGGTTTTGAAGGTCAGATTCAAACCACTACCTTCTGCAA-3'